The following is an entry in ClinVar:

NM_005902.4(SMAD3):c.808_812delinsAGA (p.Cys270fs)

Gene: SMAD3 (SMAD family member 3; plus strand). Cytogenetic location: 15q22.33.
Variant type: Indel.
Coding change: c.808_812delinsAGA on transcript NM_005902.4 (MANE Select); coding-DNA positions 808 to 812, TGCCT replaced by AGA.
Protein change: p.Cys270fs; shifts the reading frame from cysteine 270.
Molecular consequence: frameshift variant.
Genome position (GRCh38, 1-based): chr15:67,181,390-67,181,394, TGCCT replaced by AGA. VCF-style: chr15-67181390-TGCCT-AGA. GRCh37 (hg19) VCF-style: chr15-67473728-TGCCT-AGA.
Other names: c.493_497delinsAGA, p.Cys165fs (NM_001145102.2); c.676_680delinsAGA, p.Cys226fs (NM_001145103.2); c.223_227delinsAGA, p.Cys75fs (NM_001145104.2); short protein forms C165fs, C226fs, C270fs, C75fs.
Identifiers: ClinVar variation 1334527 (VCV001334527.4), dbSNP rs2140314299, ClinGen allele CA2573054098.

ClinVar aggregate classification (germline): Likely pathogenic (1 of 4 stars; one submission).

Conditions:
Aneurysm-osteoarthritis syndrome. Also called: LOEYS-DIETZ SYNDROME WITH OSTEOARTHRITIS; SMAD3-Related Loeys-Dietz Syndrome; ANEURYSMS-OSTEOARTHRITIS SYNDROME; Loeys-Dietz syndrome, type 1C. Identifiers: Orphanet 284984, MedGen C3151087, MONDO:0013426, OMIM 613795.

Submission:

Greenwood Genetic Center Diagnostic Laboratories, Greenwood Genetic Center
Classification: Likely pathogenic for Aneurysm-osteoarthritis syndrome. Last evaluated: 2021-08-16. Review status: criteria provided, single submitter. Criteria: ACMG Guidelines, 2015. Collection method: clinical testing. Allele origin: germline.
Comment: PVS1, PM2